The following is an entry in ClinVar:

ClinVar aggregate classification (germline): Uncertain significance (1 of 4 stars; one submission).

Submission:

Labcorp Genetics (formerly Invitae), Labcorp
Classification: Uncertain significance. Last evaluated: 2019-11-22. Review status: criteria provided, single submitter. Criteria: Invitae Variant Classification Sherloc (09022015). Collection method: clinical testing. Allele origin: germline.
Comment: A gross deletion of the genomic region encompassing the full coding sequence of the TMEM106B gene has been identified. The boundaries of this event are unknown as the deletion extends beyond the assayed region for this gene and therefore may encompass additional genes. This variant has not been reported in the literature in individuals with TMEM106B-related conditions. The current clinical and genetic evidence is not sufficient to establish whether loss-of-function variants in TMEM106B cause disease. In summary, the available evidence is currently insufficient to determine the role of this variant in disease. Therefore, it has been classified as a Variant of Uncertain Significance.

NC_000007.14:g.(?_12214811)_(12231975_?)del

Gene: TMEM106B (transmembrane protein 106B; plus strand). Cytogenetic location: 7p21.3.
Variant type: Deletion.
Identifiers: ClinVar variation 832220 (VCV000832220.1).